The following is an entry in ClinVar:

ClinVar aggregate classification (germline): Uncertain significance (1 of 4 stars; one submission).

gnomAD v4.1: 1 of 1,613,862 alleles (0.000062%); highest among the groups gnomAD compares: African/African-American, 0.0013%; no homozygotes.

Submission:

GeneDx
Classification: Uncertain significance. Last evaluated: 2022-03-28. Review status: criteria provided, single submitter. Criteria: GeneDx Variant Classification Process June 2021. Collection method: clinical testing. Allele origin: germline. Affected: yes.
Comment: Not observed at significant frequency in large population cohorts (gnomAD); In silico analysis supports that this missense variant does not alter protein structure/function; Has not been previously published as pathogenic or benign to our knowledge

NM_005909.5(MAP1B):c.7303G>A (p.Glu2435Lys)

Gene: MAP1B (microtubule associated protein 1B; plus strand). Cytogenetic location: 5q13.2.
Variant type: single nucleotide variant.
Coding change: c.7303G>A on transcript NM_005909.5 (MANE Select); coding-DNA position 7303, G replaced by A.
Protein change: p.Glu2435Lys; replaces glutamic acid 2435 with lysine.
Molecular consequence: missense variant.
Genome position (GRCh38, 1-based): chr5:72,205,135, G>A. VCF-style: chr5-72205135-G-A. GRCh37 (hg19) VCF-style: chr5-71500962-G-A.
Other names: c.6925G>A, p.Glu2309Lys (NM_001324255.2); short protein forms E2309K, E2435K.
Identifiers: ClinVar variation 1707748 (VCV001707748.2), dbSNP rs2478602236, ClinGen allele CA359980750.